The following is an entry in ClinVar:

ClinVar aggregate classification (germline): Uncertain significance (1 of 4 stars; one submission).

Conditions:
Hereditary spastic paraplegia 39 (SPG39). Also called: Spastic Paraplegia Type 39 (SPG39); SPASTIC PARAPLEGIA 39, AUTOSOMAL RECESSIVE. Identifiers: Orphanet 139480, MedGen C2677586, MONDO:0012787, OMIM 612020.

Allele frequency attached by ClinVar (database versions not stated): gnomAD exomes below 0.00001 and 0.00001; TOPMed below 0.00001; ExAC 0.00001; gnomAD 0.00001.
gnomAD v4.1: 2 of 1,614,006 alleles (0.00012%); highest among the groups gnomAD compares: African/African-American, 0.0027%; no homozygotes.

Submission:

Labcorp Genetics (formerly Invitae), Labcorp
Classification: Uncertain significance for Hereditary spastic paraplegia 39. Last evaluated: 2023-10-03. Review status: criteria provided, single submitter. Criteria: Invitae Variant Classification Sherloc (09022015). Collection method: clinical testing. Allele origin: germline.
Comment: This sequence change replaces leucine, which is neutral and non-polar, with valine, which is neutral and non-polar, at codon 548 of the PNPLA6 protein (p.Leu548Val). This variant is present in population databases (rs757260835, gnomAD 0.01%). This variant has not been reported in the literature in individuals affected with PNPLA6-related conditions. ClinVar contains an entry for this variant (Variation ID: 1045433). Advanced modeling of protein sequence and biophysical properties (such as structural, functional, and spatial information, amino acid conservation, physicochemical variation, residue mobility, and thermodynamic stability) has been performed at Invitae for this missense variant, however the output from this modeling did not meet the statistical confidence thresholds required to predict the impact of this variant on PNPLA6 protein function. Algorithms developed to predict the effect of sequence changes on RNA splicing suggest that this variant may create or strengthen a splice site. In summary, the available evidence is currently insufficient to determine the role of this variant in disease. Therefore, it has been classified as a Variant of Uncertain Significance.

NM_001166114.2(PNPLA6):c.1759C>G (p.Leu587Val)

Gene: PNPLA6 (patatin like domain 6, lysophospholipase; plus strand). Cytogenetic location: 19p13.2.
Variant type: single nucleotide variant.
Coding change: c.1759C>G on transcript NM_001166114.2 (MANE Select); coding-DNA position 1759, C replaced by G.
Protein change: p.Leu587Val; replaces leucine 587 with valine.
Molecular consequence: missense variant.
Genome position (GRCh38, 1-based): chr19:7,550,057, C>G. VCF-style: chr19-7550057-C-G. GRCh37 (hg19) VCF-style: chr19-7614943-C-G.
Other names: c.1786C>G, p.Leu596Val (NM_001166111.2); c.1564C>G, p.Leu522Val (NM_001166112.2); c.1642C>G, p.Leu548Val (NM_001166113.1, NM_006702.5); short protein forms L522V, L548V, L587V, L596V.
Identifiers: ClinVar variation 1045433 (VCV001045433.8), dbSNP rs757260835, ClinGen allele CA9139917.